The following is an entry in ClinVar:

NM_000020.3(ACVRL1):c.526-7C>G

Gene: ACVRL1 (activin A receptor like type 1; plus strand). Cytogenetic location: 12q13.13.
Variant type: single nucleotide variant.
Coding change: c.526-7C>G on transcript NM_000020.3 (MANE Select); 7 bases into the intron before coding-DNA position 526, C replaced by G.
Molecular consequence: intron variant.
Genome position (GRCh38, 1-based): chr12:51,913,967, C>G. VCF-style: chr12-51913967-C-G. GRCh37 (hg19) VCF-style: chr12-52307751-C-G.
Other names: c.526-7C>G (NM_001077401.2).
Identifiers: ClinVar variation 1746471 (VCV001746471.12), dbSNP rs772776468, ClinGen allele CA913185957.

ClinVar aggregate classification (germline): Pathogenic/Likely pathogenic. Review status: criteria provided, multiple submitters, no conflicts (2 of 4 stars). 5 submissions from 5 submitters: Pathogenic (2); Likely pathogenic (3). Last evaluated 2025-12-09.

Conditions:
Hereditary hemorrhagic telangiectasia (HHT). Also called: ORW DISEASE; Osler Weber Rendu syndrome; OSLER-RENDU-WEBER DISEASE; Osler hemorrhagic telangiectasia syndrome. Identifiers: Orphanet 774, MedGen C0039445, MONDO:0019180. Disease mechanism: loss of function.
ACVRL1-related disorder. Also called: ACVRL1-related condition; ACVRL1-related disorders.
Cardiovascular phenotype. Identifiers: MedGen CN230736.
Telangiectasia, hereditary hemorrhagic, type 2 (HHT2). Also called: Telangiectasia, hereditary hemorrhagic, type II; ACVRL1-Related Hereditary Hemorrhagic Telangiectasia. Identifiers: Orphanet 774, MedGen C1838163, MONDO:0010880, OMIM 600376. Disease mechanism: loss of function.

Submissions (5):

Labcorp Genetics (formerly Invitae), Labcorp
Classification: Pathogenic for Telangiectasia, hereditary hemorrhagic, type 2. Last evaluated: 2025-12-09. Review status: criteria provided, single submitter. Criteria: Invitae Variant Classification Sherloc (09022015). Collection method: clinical testing. Allele origin: germline.
Comment: This sequence change falls in intron 4 of the ACVRL1 gene. It does not directly change the encoded amino acid sequence of the ACVRL1 protein. This variant is not present in population databases (gnomAD no frequency). This variant has been observed in individual(s) with hereditary hemorrhagic telangiectasia (PMID: 16525724; internal data). ClinVar contains an entry for this variant (Variation ID: 1746471). Algorithms developed to predict the effect of sequence changes on RNA splicing suggest that this variant may disrupt the consensus splice site. For these reasons, this variant has been classified as Pathogenic.

Blueprint Genetics
Classification: Likely pathogenic for ACVRL1-related disorders. Last evaluated: 2024-10-21. Review status: criteria provided, single submitter. Criteria: ACMG Guidelines, 2015. Collection method: clinical testing. Allele origin: germline. Affected: yes. Observed: 3 variant alleles.

GeneDx
Classification: Likely pathogenic. Last evaluated: 2024-09-24. Review status: criteria provided, single submitter. Criteria: GeneDx Variant Classification Process June 2021. Collection method: clinical testing. Allele origin: germline. Affected: yes.
Comment: Not observed at significant frequency in large population cohorts (gnomAD); Published functional studies demonstrate a damaging effect via nonsense-mediated decay (PMID: 16525724); In silico analysis supports a deleterious effect on splicing; This variant is associated with the following publications: (PMID: 16525724, 36981042)

Molecular Genetics, Royal Melbourne Hospital
Classification: Pathogenic for Hereditary hemorrhagic telangiectasia. Last evaluated: 2024-09-08. Review status: criteria provided, single submitter. Criteria: ACMG Guidelines, 2015. Collection method: clinical testing. Allele origin: germline. Affected: yes.
Comment: This sequence change in ACVRL1 is an intronic variant located in intron 4. It is observed to cause a profound splicing anomaly, predominantly causing skipping of biologically relevant exons 4-5 (p.Ala105_Gly209delinsArg) and to a lesser degree skipping of exon 5 (p.Gly209Glufs*49) in RNA assays (RNA4RD). The predominant splicing anomaly results in an in-frame deletion (removes amino acids 105-209) that is expected to escape nonsense-mediated decay and truncate a critical functional domain, while the other misplacing event results in a frameshift leading to nonsense-mediated decay in a gene in which loss-of-function is an established disease mechanism (PMID: 20301525). This variant is absent from the population database gnomAD v4.1. This variant has been reported in at least three probands with a phenotype consistent with hereditary haemorrhagic telangiectasia (HHT) and segregates with HHT in two families (PMID: 16525724; ClinVar: SCV002641244.2; Royal Melbourne Hospital). Based on the classification scheme RMH Modified ACMG Guidelines v1.7.0, this variant is classified as PATHOGENIC. Following criteria are met: PVS1, PS4_Moderate, PM2_Supporting, PP1_Moderate.

Ambry Genetics
Classification: Likely pathogenic for Cardiovascular phenotype. Last evaluated: 2022-04-27. Review status: criteria provided, single submitter. Criteria: Ambry Variant Classification Scheme 2023. Collection method: clinical testing. Allele origin: germline.
Comment: The c.526-7C>G intronic variant results from a C to G substitution 7 nucleotides upstream from coding exon 4 in the ACVRL1 gene. The variant has been detected in multiple individuals with definite or suspected diagnosis of hereditary hemorrhagic telangiectasia (Argyriou L et al. Int J Mol Med, 2006 Apr;17:655-9; Ambry internal data). This variant is considered to be rare based on population cohorts in the Genome Aggregation Database (gnomAD). This nucleotide position is not well conserved in available vertebrate species. In silico splice site analysis predicts that this alteration will weaken the native splice acceptor site. Based on the majority of available evidence to date, this variant is likely to be pathogenic.

Literature cited by the submitters: PubMed 16525724 (cited by 3 submitters); PubMed 20301525 (cited by Molecular Genetics, Royal Melbourne Hospital).